The following is an entry in ClinVar:

NM_000257.4(MYH7):c.2922G>A (p.Lys974=)

Gene: MYH7 (myosin heavy chain 7; minus strand). Cytogenetic location: 14q11.2.
Variant type: single nucleotide variant.
Coding change: c.2922G>A on transcript NM_000257.4 (MANE Select); coding-DNA position 2922, G replaced by A.
Protein change: p.Lys974=; no amino-acid change (lysine 974 retained).
Molecular consequence: synonymous variant.
Genome position (GRCh38, 1-based): chr14:23,423,907, C>T on the plus strand (G>A on the coding strand, the complement: MYH7 is on the minus strand). VCF-style: chr14-23423907-C-T. GRCh37 (hg19) VCF-style: chr14-23893116-C-T.
Identifiers: ClinVar variation 42940 (VCV000042940.19), dbSNP rs147727900, ClinGen allele CA013208.
Genomic context (GRCh38, chr14:23,423,907, plus strand): 5'-TCAGTATGGTCTGAGAGTCCTGATGAGACCCGGGCTGGAGCCAAAGGGAGCTGCCCTTAC[C>T]TTGTTCTCTGTTGCGTGTTTCTCCTTCTCCACTTTGGCCAGTGTCAGCTCCAGATCATCG-3'
Protein context (NP_000248.2, residues 964-984): VEKEKHATEN[Lys974=]VKNLTEEMAG

ClinVar aggregate classification (germline): Conflicting classifications of pathogenicity. Review status: criteria provided, conflicting classifications (1 of 4 stars). 9 submissions from 9 submitters: Uncertain significance (5); Benign (1); Likely benign (1). 2 of the submissions do not count toward it. Last evaluated 2026-05-06.

Conditions:
MYH7-related disorder. Also called: MYH7-related condition; MYH7-related disease; MYH7-related disorders.
Cardiovascular phenotype. Identifiers: MedGen CN230736.
Cardiomyopathy (CMYO). Also called: Cardiomyopathies. Identifiers: Orphanet 167848, MedGen C0878544, MONDO:0004994, HP:0001638. Inheritance: Various modes of inheritance.
Hypertrophic cardiomyopathy. Also called: HYPERTROPHIC MYOCARDIOPATHY. Identifiers: Orphanet 217569, MedGen C0007194, MeSH D002312, MONDO:0005045, HP:0001639.

Allele frequency attached by ClinVar (database versions not stated): gnomAD exomes 0.00001 and 0.00002; ExAC 0.00003; gnomAD 0.00005 and 0.00006; TOPMed 0.00005; ESP Exome Variant Server 0.00015.

Submissions (9):

PreventionGenetics, part of Exact Sciences
Classification: Uncertain significance for MYH7-related condition. Last evaluated: 2026-05-06. Review status: criteria provided, single submitter. Criteria: ACMG Guidelines, 2015. Collection method: clinical testing. Allele origin: germline.
Comment: The MYH7 c.2922G>A variant is not predicted to result in an amino acid change (p.=). This variant occurs at the last nucleotide position of exon 23 and is predicted to impact splicing based on available splicing prediction programs (SpliceAI, Jaganathan et al. 2019. PubMed ID: 30661751). However, the use of computer prediction programs is not equivalent to functional evidence. This variant has been reported as likely benign in an individual with dilated cardiomyopathy (Table S1, Pugh et al. 2014. PubMed ID: 24503780). This variant is reported in 0.020% of alleles in individuals of African descent in gnomAD. At this time, the clinical significance of this variant is uncertain due to the absence of conclusive functional and genetic evidence.

Ambry Genetics
Classification: Uncertain significance for Cardiovascular phenotype. Last evaluated: 2025-11-19. Review status: criteria provided, single submitter. Criteria: Ambry Variant Classification Scheme 2023. Collection method: clinical testing. Allele origin: germline.
Comment: The c.2922G>A variant (also known as p.K974K), located in coding exon 21 of the MYH7 gene, results from a G to A substitution at nucleotide position 2922. This nucleotide substitution does not change the lysine at codon 974. However, this change occurs in the last base pair of coding exon 21, which makes it likely to have some effect on normal mRNA splicing. This alteration was reported in 1 individual(s) with dilated cardiomyopathy (DCM) who also had variants in other cardiac-related genes (Pugh TJ et al. Genet Med, 2014 Aug;16:601-8). This nucleotide position is highly conserved in available vertebrate species. In silico splice site analysis predicts that this alteration will weaken the native splice donor site. However, loss of function has not been established as a mechanism of disease. Based on the available evidence, the clinical significance of this alteration remains unclear.

Labcorp Genetics (formerly Invitae), Labcorp
Classification: Uncertain significance for Hypertrophic cardiomyopathy. Last evaluated: 2025-09-04. Review status: criteria provided, single submitter. Criteria: Invitae Variant Classification Sherloc (09022015). Collection method: clinical testing. Allele origin: germline.
Comment: This sequence change affects codon 974 of the MYH7 mRNA. It is a 'silent' change, meaning that it does not change the encoded amino acid sequence of the MYH7 protein. This variant also falls at the last nucleotide of exon 23, which is part of the consensus splice site for this exon. This variant is present in population databases (rs147727900, gnomAD 0.02%). This variant has been observed in individual(s) with dilated cardiomyopathy (PMID: 24503780). ClinVar contains an entry for this variant (Variation ID: 42940). Variants that disrupt the consensus splice site are a relatively common cause of aberrant splicing (PMID: 17576681, 9536098). Algorithms developed to predict the effect of sequence changes on RNA splicing suggest that this variant may disrupt the consensus splice site. In summary, the available evidence is currently insufficient to determine the role of this variant in disease. Therefore, it has been classified as a Variant of Uncertain Significance.

All of Us Research Program, National Institutes of Health
Classification: Uncertain significance for Cardiomyopathy. Last evaluated: 2024-07-10. Review status: criteria provided, single submitter. Criteria: ACMG Guidelines, 2015. Collection method: clinical testing. Allele origin: germline. Inheritance: Autosomal dominant inheritance. Observed: 3 variant alleles, 3 heterozygotes.
Comment: This synonymous variant does not change the encoded amino acid at codon 974 of the MYH7 protein, but it causes a G to A substitution at the last nucleotide of exon 23 of the MYH7 gene. Splice site prediction tools suggest that this variant may impact RNA splicing. To our knowledge, functional studies have not been reported for this variant. This variant has not been reported in individuals affected with MYH7-related disorders in the literature. This variant has been identified in 5/282810 chromosomes in the general population by the Genome Aggregation Database (gnomAD). The available evidence is insufficient to determine the role of this variant in disease conclusively. Therefore, this variant is classified as a Variant of Uncertain Significance.

This study involves interpretation of variants in research participants for the purpose of population health screening. Participant phenotype was not available at the time of variant classification. Additional details can be found in publication PMID: 35346344, PMCID: PMC8962531

Color Diagnostics, LLC DBA Color Health
Classification: Uncertain significance for Cardiomyopathy. Last evaluated: 2024-06-19. Review status: criteria provided, single submitter. Criteria: ACMG Guidelines, 2015. Collection method: clinical testing. Allele origin: germline.
Comment: This synonymous variant alters the conserved c.G at the last nucleotide of exon 23 of the MYH7 gene. Splice site prediction tools are inconclusive regarding the impact of this variant on RNA splicing. To our knowledge, RNA studies have not been reported for this variant. This variant has been reported in an individual affected with dilated cardiomyopathy (PMID: 24503780). This variant has been identified in 5/282810 chromosomes in the general population by the Genome Aggregation Database (gnomAD). The available evidence is insufficient to determine the role of this variant in disease conclusively. Therefore, this variant is classified as a Variant of Uncertain Significance.

GeneDx
Classification: Benign. Last evaluated: 2016-04-13. Review status: criteria provided, single submitter. Criteria: GeneDx Variant Classification (06012015). Collection method: clinical testing. Allele origin: germline. Affected: yes.
Comment: This variant is considered likely benign or benign based on one or more of the following criteria: it is a conservative change, it occurs at a poorly conserved position in the protein, it is predicted to be benign by multiple in silico algorithms, and/or has population frequency not consistent with disease.

Laboratory for Molecular Medicine, Mass General Brigham Personalized Medicine
Classification: Likely benign. Last evaluated: 2009-06-30. Review status: criteria provided, single submitter. Criteria: LMM Criteria. Collection method: clinical testing. Allele origin: germline. Observed: 1 variant allele.

Clinical Genetics DNA and cytogenetics Diagnostics Lab, Erasmus MC, Erasmus Medical Center
Classification: Likely benign. Review status: no assertion criteria provided. Collection method: clinical testing. Allele origin: germline. Affected: yes. Study: VKGL Data-share Consensus. Not counted in ClinVar's aggregate classification.

Clinical Genetics, Academic Medical Center
Classification: Likely benign. Review status: no assertion criteria provided. Collection method: clinical testing. Allele origin: germline. Affected: yes. Study: VKGL Data-share Consensus. Not counted in ClinVar's aggregate classification.

Literature cited by the submitters: PubMed 24503780 (cited by 3 submitters); PubMed 17576681 (cited by Labcorp Genetics (formerly Invitae), Labcorp); PubMed 9536098 (cited by Labcorp Genetics (formerly Invitae), Labcorp).